The following is an entry in ClinVar:

ClinVar aggregate classification (germline): Pathogenic (1 of 4 stars; one submission).

Submission:

Labcorp Genetics (formerly Invitae), Labcorp
Classification: Pathogenic. Last evaluated: 2025-10-17. Review status: criteria provided, single submitter. Criteria: Invitae Variant Classification Sherloc (09022015). Collection method: clinical testing. Allele origin: germline.
Comment: This sequence change creates a premature translational stop signal (p.Phe149Leufs*9) in the ADGRV1 gene. It is expected to result in an absent or disrupted protein product. Loss-of-function variants in ADGRV1 are known to be pathogenic (PMID: 19357117, 22135276, 22147658, 26226137, 30718709, 31047384, 32467589). This variant is not present in population databases (gnomAD no frequency). This variant has not been reported in the literature in individuals affected with ADGRV1-related conditions. For these reasons, this variant has been classified as Pathogenic.

Literature cited by the submitters: PubMed 19357117; PubMed 22135276; PubMed 22147658; PubMed 26226137; PubMed 30718709; PubMed 31047384; PubMed 32467589.

NM_032119.4(ADGRV1):c.447del (p.Phe149fs)

Gene: ADGRV1 (adhesion G protein-coupled receptor V1; plus strand). Cytogenetic location: 5q14.3.
Variant type: Deletion.
Coding change: c.447del on transcript NM_032119.4 (MANE Select); coding-DNA position 447, one base deleted (T; older notation c.447delT).
Protein change: p.Phe149fs; shifts the reading frame from phenylalanine 149.
Molecular consequence: frameshift variant. On other transcripts: non-coding transcript variant (1).
Genome position (GRCh38, 1-based): chr5:90,619,175, T deleted; the last of 3 consecutive T bases (chr5:90,619,173-90,619,175); deleting any one gives the same sequence. VCF-style (leftmost placement, unchanged base first): chr5-90619172-AT-A. GRCh37 (hg19) VCF-style: chr5-89914989-AT-A.
Other names: short protein forms F149fs.
Identifiers: ClinVar variation 4729408 (VCV004729408.1).